The following is an entry in ClinVar:

NM_001143809.2(BDNF):c.66+8T>C

Gene: BDNF (brain derived neurotrophic factor; minus strand). Cytogenetic location: 11p14.1.
Variant type: single nucleotide variant.
Coding change: c.66+8T>C on transcript NM_001143809.2; 8 bases into the intron after coding-DNA position 66, T replaced by C.
Molecular consequence: intron variant.
Genome position (GRCh38, 1-based): chr11:27,700,963, A>G on the plus strand (T>C on the coding strand, the complement: BDNF is on the minus strand). VCF-style: chr11-27700963-A-G. GRCh37 (hg19) VCF-style: chr11-27722510-A-G.
Other names: c.3+20449T>C (NM_170731.5); c.-22+19681T>C (NM_001143805.1); c.-22+19466T>C (NM_001143806.1); c.-22+19383T>C (NM_170732.4); c.-22+18548T>C (NM_001143807.2); c.-22+334T>C (NM_170733.4); c.-22+18T>C (NM_001143808.2); c.-59+8T>C (NM_001143810.2); and 1 more.
Identifiers: ClinVar variation 3044706 (VCV003044706.2), dbSNP rs373949465, ClinGen allele CA5929253.
Genomic context (GRCh38, chr11:27,700,963, plus strand): 5'-CCTTCCTCCCCATCCCAGCACCCAAGTTCTCTGGGAGAGGGCGTGCGTTTCCCGGGCCAC[A>G]GACACACCTTCCCGCACCTTCCTGCACTACGGAGCTTGCGAACGCGAGCACACAATGAAA-3'

ClinVar aggregate classification (germline): Likely benign (0 of 4 stars; one submission).

Conditions:
BDNF-related disorder. Also called: BDNF-related condition.

Allele frequency attached by ClinVar (database versions not stated): 1000 Genomes Project 30x 0.00016; 1000 Genomes Project 0.00020; TOPMed 0.00036; ESP Exome Variant Server 0.00059; gnomAD exomes 0.00061; ExAC 0.00026; gnomAD 0.00029.
gnomAD v4.1: 776 of 1,359,446 alleles (0.057%); highest among the groups gnomAD compares: Non-Finnish European, 0.07%; 1 homozygote.

Submission:

PreventionGenetics, part of Exact Sciences
Classification: Likely benign for BDNF-related condition. Last evaluated: 2019-08-06. Review status: no assertion criteria provided. Collection method: clinical testing. Allele origin: germline.
Comment: This variant is classified as likely benign based on ACMG/AMP sequence variant interpretation guidelines (Richards et al. 2015 PMID: 25741868, with internal and published modifications).